The following is an entry in ClinVar:

ClinVar aggregate classification (germline): Likely benign (1 of 4 stars; one submission).

Conditions:
Hyaline fibromatosis syndrome (HFS). Also called: Hyalinosis, Inherited Systemic; HYALINOSIS, SYSTEMIC. Identifiers: Orphanet 2028, Orphanet 498474, MedGen C5574677, MONDO:0009229, OMIM 228600.

Allele frequency attached by ClinVar (database versions not stated): 1000 Genomes Project 30x 0.00281; 1000 Genomes Project 0.00339; gnomAD 0.00385 and 0.00423; TOPMed 0.00415.

Submission:

Illumina Laboratory Services, Illumina
Classification: Likely benign for Hyaline fibromatosis syndrome. Last evaluated: 2018-01-13. Review status: criteria provided, single submitter. Criteria: ICSL Variant Classification Criteria 13 December 2019. Collection method: clinical testing. Allele origin: germline.
Comment: This variant was observed in the ICSL laboratory as part of a predisposition screen in an ostensibly healthy population. It had not been previously curated by ICSL or reported in the Human Gene Mutation Database (HGMD: prior to June 1st, 2018), and was therefore a candidate for classification through an automated scoring system. Utilizing variant allele frequency, disease prevalence and penetrance estimates, and inheritance mode, an automated score was calculated to assess if this variant is too frequent to cause the disease. Based on the score and internal cut-off values, a variant classified as likely benign is not then subjected to further curation. The score for this variant resulted in a classification of likely benign for this disease.

NM_058172.6(ANTXR2):c.*4630A>T

Gene: ANTXR2 (ANTXR cell adhesion molecule 2; minus strand). Cytogenetic location: 4q21.21.
Variant type: single nucleotide variant.
Coding change: c.*4630A>T on transcript NM_058172.6 (MANE Select); 4630 bases downstream of the stop codon, A replaced by T.
Molecular consequence: 3 prime UTR variant.
Genome position (GRCh38, 1-based): chr4:79,902,799, T>A on the plus strand (A>T on the coding strand, the complement: ANTXR2 is on the minus strand). VCF-style: chr4-79902799-T-A. GRCh37 (hg19) VCF-style: chr4-80823953-T-A.
Other names: c.*4630A>T (NM_001286780.2, NM_001286781.2).
Identifiers: ClinVar variation 907906 (VCV000907906.4), dbSNP rs190569143, ClinGen allele CA100488188.